The following is an entry in ClinVar:

NM_000081.4(LYST):c.5144A>C (p.Glu1715Ala)

Gene: LYST (lysosomal trafficking regulator; minus strand). Cytogenetic location: 1q42.3.
Variant type: single nucleotide variant.
Coding change: c.5144A>C on transcript NM_000081.4 (MANE Select); coding-DNA position 5144, A replaced by C.
Protein change: p.Glu1715Ala; replaces glutamic acid 1715 with alanine.
Molecular consequence: missense variant.
Genome position (GRCh38, 1-based): chr1:235,780,935, T>G on the plus strand (A>C on the coding strand, the complement: LYST is on the minus strand). VCF-style: chr1-235780935-T-G. GRCh37 (hg19) VCF-style: chr1-235944235-T-G.
Other names: c.5144A>C (NM_000081.2); c.5144A>C, p.Glu1715Ala (NM_001301365.1); short protein forms E1715A.
Identifiers: ClinVar variation 1415875 (VCV001415875.6), dbSNP rs767386693, ClinGen allele CA1466687.
Genomic context (GRCh38, chr1:235,780,935, plus strand): 5'-CCAATATCCACATCTTTCTTGGTCATAAAAAGTTCTCTGATTTGTTCACATCGCAAAATT[T>G]CTTTATTAATATATTTGGAGTAGTCATTGACTGGCTTGCCATACTTACATGGCATTACAG-3'
Protein context (NP_000072.2, residues 1705-1725): VNDYSKYINK[Glu1715Ala]ILRCEQIREL

ClinVar aggregate classification (germline): Uncertain significance. Review status: criteria provided, multiple submitters, no conflicts (2 of 4 stars). 2 submissions from 2 submitters: Uncertain significance (2). Last evaluated 2026-01-05.

Conditions:
Chédiak-Higashi syndrome (CHS). Also called: Chediak-Higashi Syndrome. Identifiers: Orphanet 167, MedGen C0007965, MONDO:0008963, OMIM 214500.
Inborn genetic diseases. Identifiers: MedGen C0950123, MeSH D030342.

Allele frequency attached by ClinVar (database versions not stated): ExAC 0.00001; gnomAD exomes 0.00001; gnomAD 0.00002; TOPMed 0.00002.
gnomAD v4.1: 31 of 1,593,764 alleles (0.0019%); highest among the groups gnomAD compares: African/African-American, 0.0054%; no homozygotes.

Submissions (2):

Labcorp Genetics (formerly Invitae), Labcorp
Classification: Uncertain significance for Chédiak-Higashi syndrome. Last evaluated: 2026-01-05. Review status: criteria provided, single submitter. Criteria: Invitae Variant Classification Sherloc (09022015). Collection method: clinical testing. Allele origin: germline.
Comment: This sequence change replaces glutamic acid, which is acidic and polar, with alanine, which is neutral and non-polar, at codon 1715 of the LYST protein (p.Glu1715Ala). This variant is present in population databases (rs767386693, gnomAD 0.007%). This variant has not been reported in the literature in individuals affected with LYST-related conditions. ClinVar contains an entry for this variant (Variation ID: 1415875). Invitae Evidence Modeling of protein sequence and biophysical properties (such as structural, functional, and spatial information, amino acid conservation, physicochemical variation, residue mobility, and thermodynamic stability) indicates that this missense variant is not expected to disrupt LYST protein function with a negative predictive value of 80%. In summary, the available evidence is currently insufficient to determine the role of this variant in disease. Therefore, it has been classified as a Variant of Uncertain Significance.

Ambry Genetics
Classification: Uncertain significance for Inborn genetic diseases. Last evaluated: 2025-08-02. Review status: criteria provided, single submitter. Criteria: Ambry Variant Classification Scheme 2023. Collection method: clinical testing. Allele origin: germline.